The following is an entry in ClinVar:

NM_000521.4(HEXB):c.1253G>A (p.Gly418Asp)

Gene: HEXB (hexosaminidase subunit beta; plus strand). Cytogenetic location: 5q13.3.
Variant type: single nucleotide variant.
Coding change: c.1253G>A on transcript NM_000521.4 (MANE Select); coding-DNA position 1253, G replaced by A.
Protein change: p.Gly418Asp; replaces glycine 418 with aspartic acid.
Molecular consequence: missense variant.
Genome position (GRCh38, 1-based): chr5:74,718,807, G>A. VCF-style: chr5-74718807-G-A. GRCh37 (hg19) VCF-style: chr5-74014632-G-A.
Other names: c.578G>A, p.Gly193Asp (NM_001292004.2); short protein forms G193D, G418D.
Identifiers: ClinVar variation 1984519 (VCV001984519.1), dbSNP rs1346504442, ClinGen allele CA360070176.
Genomic context (GRCh38, chr5:74,718,807, plus strand): 5'-TCTACTGTTCTAGGCCTAATAATATGTATTGCAATTTGTAACGTTAATAGCTTGCGCCGG[G>A]CACAATAGTTGAAGTATGGAAAGACAGCGCATATCCTGAGGAACTCAGTAGAGTCACAGC-3'
Protein context (NP_000512.2, residues 408-428): VFDDKAKLAP[Gly418Asp]TIVEVWKDSA

ClinVar aggregate classification (germline): Uncertain significance (1 of 4 stars; one submission).

Conditions:
Sandhoff disease. Also called: Beta-hexosaminidase-beta-subunit deficiency; GM2 gangliosidosis, type 2; Total hexosaminidase deficiency; Sandhoff-Jatzkewitz-Pilz disease; GM2-GANGLIOSIDOSIS, TYPE II; HEXOSAMINIDASES A AND B DEFICIENCY. Identifiers: Orphanet 796, MedGen C0036161, MONDO:0010006, OMIM 268800.

gnomAD v4.1: 3 of 1,614,040 alleles (0.00019%); highest among the groups gnomAD compares: South Asian, 0.0022%; no homozygotes.

Submission:

Labcorp Genetics (formerly Invitae), Labcorp
Classification: Uncertain significance for Sandhoff disease. Last evaluated: 2022-06-23. Review status: criteria provided, single submitter. Criteria: Invitae Variant Classification Sherloc (09022015). Collection method: clinical testing. Allele origin: germline.
Comment: This sequence change replaces glycine, which is neutral and non-polar, with aspartic acid, which is acidic and polar, at codon 418 of the HEXB protein (p.Gly418Asp). This variant is not present in population databases (gnomAD no frequency). This variant has not been reported in the literature in individuals affected with HEXB-related conditions. Advanced modeling of protein sequence and biophysical properties (such as structural, functional, and spatial information, amino acid conservation, physicochemical variation, residue mobility, and thermodynamic stability) performed at Invitae indicates that this missense variant is not expected to disrupt HEXB protein function. In summary, the available evidence is currently insufficient to determine the role of this variant in disease. Therefore, it has been classified as a Variant of Uncertain Significance.